The following is an entry in ClinVar:

ClinVar aggregate classification (germline): Likely benign (1 of 4 stars; one submission).

Conditions:
SEMA3F-related disorder. Also called: SEMA3F-related condition.

gnomAD v4.1: 5 of 1,613,276 alleles (0.00031%); highest among the groups gnomAD compares: Non-Finnish European, 0.00034%; no homozygotes.

Submission:

PreventionGenetics, part of Exact Sciences
Classification: Likely benign for SEMA3F-related condition. Last evaluated: 2025-06-10. Review status: criteria provided, single submitter. Criteria: ACMG Guidelines, 2015. Collection method: clinical testing. Allele origin: germline.
Comment: This variant is classified as likely benign based on ACMG/AMP sequence variant interpretation guidelines (Richards et al. 2015 PMID: 25741868, with internal and published modifications).

NM_004186.5(SEMA3F):c.1746-10C>T

Gene: SEMA3F (semaphorin 3F; plus strand). Cytogenetic location: 3p21.31.
Variant type: single nucleotide variant.
Coding change: c.1746-10C>T on transcript NM_004186.5 (MANE Select); 10 bases into the intron before coding-DNA position 1746, C replaced by T.
Molecular consequence: intron variant.
Genome position (GRCh38, 1-based): chr3:50,186,271, C>T. VCF-style: chr3-50186271-C-T. GRCh37 (hg19) VCF-style: chr3-50223704-C-T.
Other names: c.1449-10C>T (NM_001318798.2); c.1653-10C>T (NM_001318800.2).
Identifiers: ClinVar variation 4988383 (VCV004988383.1).